The following is an entry in ClinVar:

ClinVar aggregate classification (germline): Likely benign. Review status: criteria provided, single submitter (1 of 4 stars). 2 submissions from 2 submitters: Likely benign (1). 1 of the submissions does not count toward it. Last evaluated 2025-12-08.

Conditions:
CHD4-related disorder. Also called: CHD4-related condition.

Allele frequency attached by ClinVar (database versions not stated): TOPMed 0.00006.
gnomAD v4.1: 2 of 1,613,698 alleles (0.00012%); no homozygotes.

Submissions (2):

Labcorp Genetics (formerly Invitae), Labcorp
Classification: Likely benign. Last evaluated: 2025-12-08. Review status: criteria provided, single submitter. Criteria: Invitae Variant Classification Sherloc (09022015). Collection method: clinical testing. Allele origin: germline.

PreventionGenetics, part of Exact Sciences
Classification: Likely benign for CHD4-related condition. Last evaluated: 2023-01-31. Review status: no assertion criteria provided. Collection method: clinical testing. Allele origin: germline. Not counted in ClinVar's aggregate classification.
Comment: This variant is classified as likely benign based on ACMG/AMP sequence variant interpretation guidelines (Richards et al. 2015 PMID: 25741868, with internal and published modifications).

NM_001273.5(CHD4):c.2706G>C (p.Gly902=)

Gene: CHD4 (chromodomain helicase DNA binding protein 4; minus strand). Cytogenetic location: 12p13.31.
Variant type: single nucleotide variant.
Coding change: c.2706G>C on transcript NM_001273.5 (MANE Select); coding-DNA position 2706, G replaced by C.
Protein change: p.Gly902=; no amino-acid change (glycine 902 retained).
Molecular consequence: synonymous variant.
Genome position (GRCh38, 1-based): chr12:6,592,764, C>G on the plus strand (G>C on the coding strand, the complement: CHD4 is on the minus strand). VCF-style: chr12-6592764-C-G. GRCh37 (hg19) VCF-style: chr12-6701930-C-G.
Other names: c.2685G>C, p.Gly895= (NM_001297553.2); c.2667G>C, p.Gly889= (NM_001363606.2).
Identifiers: ClinVar variation 3046274 (VCV003046274.3), dbSNP rs1051886163, ClinGen allele CA232392753.